The following is an entry in ClinVar:

ClinVar aggregate classification (germline): Uncertain significance (1 of 4 stars; one submission).

Submission:

Ambry Genetics
Classification: Uncertain significance. Last evaluated: 2025-07-03. Review status: criteria provided, single submitter. Criteria: Ambry Variant Classification Scheme 2023. Collection method: clinical testing. Allele origin: germline.
Comment: The p.K144N variant (also known as c.432G>C), located in coding exon 1 of the CDK12 gene, results from a G to C substitution at nucleotide position 432. The lysine at codon 144 is replaced by asparagine, an amino acid with similar properties. This amino acid position is conserved. In addition, this alteration is predicted to be tolerated by in silico analysis. Based on the available evidence, the clinical significance of this variant remains unclear.

NM_016507.4(CDK12):c.432G>C (p.Lys144Asn)

Genes: CDK12 (cyclin dependent kinase 12; plus strand), LOC126862553 (CDK7 strongly-dependent group 2 enhancer GRCh37_chr17:37618166-37619365; plus strand). Cytogenetic location: 17q12.
Variant type: single nucleotide variant.
Coding change: c.432G>C on transcript NM_016507.4 (MANE Select); coding-DNA position 432, G replaced by C.
Protein change: p.Lys144Asn; replaces lysine 144 with asparagine.
Molecular consequence: missense variant.
Genome position (GRCh38, 1-based): chr17:39,462,503, G>C. VCF-style: chr17-39462503-G-C. GRCh37 (hg19) VCF-style: chr17-37618756-G-C.
Other names: c.432G>C, p.Lys144Asn (NM_015083.4); short protein forms K144N.
Identifiers: ClinVar variation 4224250 (VCV004224250.1).